The following is an entry in ClinVar:

NM_004064.5(CDKN1B):c.472G>C (p.Asp158His)

Gene: CDKN1B (cyclin dependent kinase inhibitor 1B; plus strand). Cytogenetic location: 12p13.1.
Variant type: single nucleotide variant.
Coding change: c.472G>C on transcript NM_004064.5 (MANE Select); coding-DNA position 472, G replaced by C.
Protein change: p.Asp158His; replaces aspartic acid 158 with histidine.
Molecular consequence: missense variant.
Genome position (GRCh38, 1-based): chr12:12,718,311, G>C. VCF-style: chr12-12718311-G-C. GRCh37 (hg19) VCF-style: chr12-12871245-G-C.
Other names: c.472G>C (NM_004064.3); short protein forms D158H.
Identifiers: ClinVar variation 1469867 (VCV001469867.9), dbSNP rs1592281294, ClinGen allele CA383970999.
Genomic context (GRCh38, chr12:12,718,311, plus strand): 5'-TCGGACAGCCAGACGGGGTTAGCGGAGCAATGCGCAGGAATAAGGAAGCGACCTGCAACC[G>C]ACGGTAATGACCCTTTCCCAACCATAGAATGTGTTTGGGGCCCCGCTTTGCCTGCTGGAG-3'
Protein context (NP_004055.1, residues 148-168): CAGIRKRPAT[Asp158His]DSSTQNKRAN

ClinVar aggregate classification (germline): Uncertain significance. Review status: criteria provided, multiple submitters, no conflicts (2 of 4 stars). 2 submissions from 2 submitters: Uncertain significance (2). Last evaluated 2026-04-24.

Conditions:
Multiple endocrine neoplasia type 4. Also called: MULTIPLE ENDOCRINE NEOPLASIA, TYPE IV. Identifiers: Orphanet 276152, MedGen C1970712, MONDO:0012552, OMIM 610755.
Hereditary cancer-predisposing syndrome. Also called: Tumor predisposition; Neoplastic Syndromes, Hereditary; Hereditary Cancer Syndrome; Hereditary neoplastic syndrome. Identifiers: Orphanet 140162, MedGen C0027672, MeSH D009386, MONDO:0015356.

Submissions (2):

Ambry Genetics
Classification: Uncertain significance for Hereditary cancer-predisposing syndrome. Last evaluated: 2026-04-24. Review status: criteria provided, single submitter. Criteria: Ambry Variant Classification Scheme 2023. Collection method: clinical testing. Allele origin: germline.
Comment: The p.D158H variant (also known as c.472G>C), located in coding exon 1 of the CDKN1B gene, results from a G to C substitution at nucleotide position 472. The aspartic acid at codon 158 is replaced by histidine, an amino acid with similar properties. This amino acid position is not well conserved in available vertebrate species. In addition, this alteration is predicted to be tolerated by in silico analysis. Based on the available evidence, the clinical significance of this variant remains unclear.

Labcorp Genetics (formerly Invitae), Labcorp
Classification: Uncertain significance for Multiple endocrine neoplasia type 4. Last evaluated: 2022-01-27. Review status: criteria provided, single submitter. Criteria: Invitae Variant Classification Sherloc (09022015). Collection method: clinical testing. Allele origin: germline.
Comment: In summary, the available evidence is currently insufficient to determine the role of this variant in disease. Therefore, it has been classified as a Variant of Uncertain Significance. Algorithms developed to predict the effect of missense changes on protein structure and function are either unavailable or do not agree on the potential impact of this missense change (SIFT: "Deleterious"; PolyPhen-2: "Probably Damaging"; Align-GVGD: "Class C0"). This variant has not been reported in the literature in individuals affected with CDKN1B-related conditions. This variant is not present in population databases (gnomAD no frequency). This sequence change replaces aspartic acid, which is acidic and polar, with histidine, which is basic and polar, at codon 158 of the CDKN1B protein (p.Asp158His).